The following is an entry in ClinVar:

ClinVar aggregate classification (germline): Uncertain significance (1 of 4 stars; one submission).

Conditions:
Blood group, ER (ER). Also called: ER BLOOD GROUP SYSTEM. Identifiers: MedGen C5703066, OMIM 620207.
Lymphatic malformation 6 (LMPHM6). Also called: GENERALIZED LYMPHATIC DYSPLASIA OF FOTIOU; PIEZO1-related generalized lymphatic dysplasia with non-immune hydrops fetalis; Lymphedema, hereditary, III. Identifiers: Orphanet 568062, MedGen C4225184, MONDO:0014797, OMIM 616843.
Dehydrated hereditary stomatocytosis with or without pseudohyperkalemia and/or perinatal edema (DHS1). Also called: Dehydrated hereditary stomatocytosis 1 with or without pseudohyperkalemia and/or perinatal edema; PSEUDOHYPERKALEMIA EDINBURGH; DEHYDRATED HEREDITARY STOMATOCYTOSIS AND PSEUDOHYPERKALEMIA; DEHYDRATED HEREDITARY STOMATOCYTOSIS WITH PSEUDOHYPERKALEMIA AND PERINATAL EDEMA; Pseudohyperkalemia, familial, 1, due to red cell leak. Identifiers: Orphanet 3202, MedGen C4551512, MONDO:0008689, OMIM 194380.

Submission:

Juno Genomics, Hangzhou Juno Genomics, Inc
Classification: Uncertain significance for Blood group, ER; Dehydrated hereditary stomatocytosis with or without pseudohyperkalemia and/or perinatal edema; Lymphatic malformation 6. Review status: criteria provided, single submitter. Criteria: ACMG Guidelines, 2015. Collection method: clinical testing. Allele origin: germline.
Comment: Absent from controls (or at extremely low frequency if recessive) in Genome Aggregation Database.;Multiple lines of computational evidence support a deleterious effect on the gene or gene product.

NM_001142864.4(PIEZO1):c.6569_6570inv (p.Pro2190Leu)

Gene: PIEZO1 (piezo type mechanosensitive ion channel component 1 (Er blood group); minus strand). Cytogenetic location: 16q24.3.
Variant type: Inversion.
Coding change: c.6569_6570inv on transcript NM_001142864.4 (MANE Select).
Protein change: p.Pro2190Leu; replaces proline 2190 with leucine.
Molecular consequence: missense variant.
Genome position: GRCh38 VCF-style: chr16-88717113-TG-CA. GRCh37 (hg19) VCF-style: chr16-88783521-TG-CA.
Other names: c.6569_6570delinsTG (NM_001142864.4); short protein forms P2190L.
Identifiers: ClinVar variation 5019325 (VCV005019325.2).